The following is an entry in ClinVar:

ClinVar aggregate classification (germline): Conflicting classifications of pathogenicity. Review status: criteria provided, conflicting classifications (1 of 4 stars). 7 submissions from 7 submitters: Likely pathogenic (3); Uncertain significance (2); Likely benign (2). Last evaluated 2025-09-28.

Conditions:
Cardiovascular phenotype. Identifiers: MedGen CN230736.
DSG2-related disorders.
Dilated cardiomyopathy 1BB (CMD1BB). Also called: CARDIOMYOPATHY, DILATED, 1BB, SUSCEPTIBILITY TO. Identifiers: Orphanet 154, MedGen C2752072, MONDO:0013030, OMIM 612877.
Arrhythmogenic right ventricular dysplasia 10. Also called: Arrhythmogenic right ventricular dysplasia/cardiomyopathy, type 10; ARRHYTHMOGENIC RIGHT VENTRICULAR DYSPLASIA, FAMILIAL, 10; Arrhythmogenic Right Ventricular Dysplasia/Cardiomyopathy10. Identifiers: MedGen C1857777, MONDO:0012434, OMIM 610193.
Cardiomyopathy (CMYO). Also called: Cardiomyopathies. Identifiers: Orphanet 167848, MedGen C0878544, MONDO:0004994, HP:0001638. Inheritance: Various modes of inheritance.
Arrhythmogenic right ventricular cardiomyopathy (ARVD). Also called: Arrhythmogenic cardiomyopathy; Arrhythmogenic Right Ventricular Cardiomyopathy (ARVC); Cardiomyopathy, ARVC; Arrhythmogenic right ventricular dysplasia. Identifiers: Orphanet 247, MedGen C0349788, MeSH D019571, MONDO:0016587. Disease mechanism: loss of function. Inheritance: Various modes of inheritance.

Allele frequency attached by ClinVar (database versions not stated): gnomAD 0.00002; ExAC 0.00003; gnomAD exomes 0.00003 and 0.00009; 1000 Genomes Project 30x 0.00031; 1000 Genomes Project 0.00040.
gnomAD v4.1: 131 of 1,614,226 alleles (0.0081%); highest among the groups gnomAD compares: East Asian, 0.29%; 1 homozygote.

Submissions (7):

Labcorp Genetics (formerly Invitae), Labcorp
Classification: Likely pathogenic for Arrhythmogenic right ventricular dysplasia 10. Last evaluated: 2025-09-28. Review status: criteria provided, single submitter. Criteria: Invitae Variant Classification Sherloc (09022015). Collection method: clinical testing. Allele origin: germline.
Comment: This sequence change replaces aspartic acid, which is acidic and polar, with alanine, which is neutral and non-polar, at codon 494 of the DSG2 protein (p.Asp494Ala). This variant is present in population databases (rs193298428, gnomAD 0.03%). This missense change has been observed in individuals with arrhythmogenic right ventricular cardiomyopathy (PMID: 23514727, 29178656). ClinVar contains an entry for this variant (Variation ID: 199808). Invitae Evidence Modeling of protein sequence and biophysical properties (such as structural, functional, and spatial information, amino acid conservation, physicochemical variation, residue mobility, and thermodynamic stability) has been performed for this missense variant. However, the output from this modeling did not meet the statistical confidence thresholds required to predict the impact of this variant on DSG2 protein function. In summary, the currently available evidence indicates that the variant is pathogenic, but additional data are needed to prove that conclusively. Therefore, this variant has been classified as Likely Pathogenic.

All of Us Research Program, National Institutes of Health
Classification: Uncertain significance for Arrhythmogenic right ventricular cardiomyopathy. Last evaluated: 2024-09-23. Review status: criteria provided, single submitter. Criteria: ACMG Guidelines, 2015. Collection method: clinical testing. Allele origin: germline. Inheritance: Autosomal dominant inheritance. Observed: 5 variant alleles, 5 heterozygotes.
Comment: This missense variant replaces aspartic acid with alanine at codon 494 of the DSG2 protein. Computational prediction suggests that this variant may have deleterious impact on protein structure and function (internally defined REVEL score threshold >= 0.7, PMID: 27666373). To our knowledge, functional studies have not been reported for this variant. This variant has been reported in eighteen unrelated Japanese individuals affected with arrhythmogenic right ventricular cardiomyopathy, including four homozygotes (PMID: 23514727, 29178656). However, this variant has also been observed at a high allele frequency in the Japanese control population (0.6% among 2204 alleles) (PMID: 29178656), suggesting that it may be a common polymorphism in this population. This variant has been identified in 7/249402 chromosomes (7/17972 East Asian chromosomes) in the general population by the Genome Aggregation Database (gnomAD). The available evidence is insufficient to determine the role of this variant in disease conclusively. Therefore, this variant is classified as a Variant of Uncertain Significance.

This study involves interpretation of variants in research participants for the purpose of population health screening. Participant phenotype was not available at the time of variant classification. Additional details can be found in publication PMID: 35346344, PMCID: PMC8962531

Color Diagnostics, LLC DBA Color Health
Classification: Likely benign for Cardiomyopathy. Last evaluated: 2024-06-27. Review status: criteria provided, single submitter. Criteria: ACMG Guidelines, 2015. Collection method: clinical testing. Allele origin: germline.

CHEO Genetics Diagnostic Laboratory, Children's Hospital of Eastern Ontario
Classification: Uncertain significance for Cardiomyopathy. Last evaluated: 2023-03-22. Review status: criteria provided, single submitter. Criteria: ACMG Guidelines, 2015. Collection method: clinical testing. Allele origin: germline.

Ambry Genetics
Classification: Likely benign for Cardiovascular phenotype. Last evaluated: 2022-01-19. Review status: criteria provided, single submitter. Criteria: Ambry Variant Classification Scheme 2023. Collection method: clinical testing. Allele origin: germline.

Blueprint Genetics
Classification: Likely pathogenic for DSG2-related disorders. Last evaluated: 2021-09-21. Review status: criteria provided, single submitter. Criteria: ACMG Guidelines, 2015. Collection method: clinical testing. Allele origin: germline. Affected: yes. Observed: 2 variant alleles.

Juno Genomics, Hangzhou Juno Genomics, Inc
Classification: Likely pathogenic for Arrhythmogenic right ventricular dysplasia 10; Dilated cardiomyopathy 1BB. Review status: criteria provided, single submitter. Criteria: ACMG Guidelines, 2015. Collection method: clinical testing. Allele origin: germline.
Comment: The prevalence of the variant in affected individuals is significantly increased compared to the prevalence in controls.;Patient's phenotype or family history is highly specific for a disease with a single genetic etiology.;Co-segregation with disease in multiple affected family members.;Multiple lines of computational evidence support a deleterious effect on the gene or gene product.

Literature cited by the submitters: PubMed 23514727 (cited by 3 submitters); PubMed 29178656 (cited by 3 submitters); PubMed 30996762 (cited by All of Us Research Program, National Institutes of Health).

NM_001943.5(DSG2):c.1481A>C (p.Asp494Ala)

Gene: DSG2 (desmoglein 2; plus strand). Cytogenetic location: 18q12.1.
Variant type: single nucleotide variant.
Coding change: c.1481A>C on transcript NM_001943.5 (MANE Select); coding-DNA position 1481, A replaced by C.
Protein change: p.Asp494Ala; replaces aspartic acid 494 with alanine.
Molecular consequence: missense variant.
Genome position (GRCh38, 1-based): chr18:31,536,259, A>C. VCF-style: chr18-31536259-A-C. GRCh37 (hg19) VCF-style: chr18-29116222-A-C.
Other names: short protein forms D494A.
Identifiers: ClinVar variation 199808 (VCV000199808.19), dbSNP rs193298428, ClinGen allele CA021409.